The following is an entry in ClinVar:

ClinVar aggregate classification (germline): Uncertain significance. Review status: criteria provided, multiple submitters, no conflicts (2 of 4 stars). 2 submissions from 2 submitters: Uncertain significance (2). Last evaluated 2025-03-30.

Conditions:
Inborn genetic diseases. Identifiers: MedGen C0950123, MeSH D030342.
Autoimmune lymphoproliferative syndrome type 2B. Also called: AUTOIMMUNE LYMPHOPROLIFERATIVE SYNDROME, TYPE IIB. Identifiers: Orphanet 275517, MedGen C1846545, MONDO:0011804, OMIM 607271.

Allele frequency attached by ClinVar (database versions not stated): gnomAD exomes 0.00001; ExAC 0.00002; TOPMed 0.00002; gnomAD 0.00003.
gnomAD v4.1: 26 of 1,614,058 alleles (0.0016%); highest among the groups gnomAD compares: African/African-American, 0.0027%; no homozygotes.

Submissions (2):

Ambry Genetics
Classification: Uncertain significance for Inborn genetic diseases. Last evaluated: 2025-03-30. Review status: criteria provided, single submitter. Criteria: Ambry Variant Classification Scheme 2023. Collection method: clinical testing. Allele origin: germline.

Labcorp Genetics (formerly Invitae), Labcorp
Classification: Uncertain significance for Autoimmune lymphoproliferative syndrome type 2B. Last evaluated: 2022-05-08. Review status: criteria provided, single submitter. Criteria: Invitae Variant Classification Sherloc (09022015). Collection method: clinical testing. Allele origin: germline.
Comment: This sequence change replaces lysine, which is basic and polar, with arginine, which is basic and polar, at codon 23 of the CASP8 protein (p.Lys23Arg). This variant is present in population databases (rs779778498, gnomAD 0.004%). This variant has not been reported in the literature in individuals affected with CASP8-related conditions. Algorithms developed to predict the effect of missense changes on protein structure and function are either unavailable or do not agree on the potential impact of this missense change (SIFT: "Tolerated"; PolyPhen-2: "Probably Damaging"; Align-GVGD: "Class C0"). Algorithms developed to predict the effect of sequence changes on RNA splicing suggest that this variant may create or strengthen a splice site. In summary, the available evidence is currently insufficient to determine the role of this variant in disease. Therefore, it has been classified as a Variant of Uncertain Significance.

NM_001372051.1(CASP8):c.68A>G (p.Lys23Arg)

Gene: CASP8 (caspase 8; plus strand). Cytogenetic location: 2q33.1.
Variant type: single nucleotide variant.
Coding change: c.68A>G on transcript NM_001372051.1 (MANE Select); coding-DNA position 68, A replaced by G.
Protein change: p.Lys23Arg; replaces lysine 23 with arginine.
Molecular consequence: missense variant. On other transcripts: 5 prime UTR variant (9), non-coding transcript variant (22), intron variant (3).
Genome position (GRCh38, 1-based): chr2:201,266,554, A>G. VCF-style: chr2-201266554-A-G. GRCh37 (hg19) VCF-style: chr2-202131277-A-G.
Other names: c.68A>G, p.Lys23Arg (NM_001400651.1, NM_001400653.1, NM_001228.5 and 21 more transcripts); c.245A>G, p.Lys82Arg (NM_001400642.1, NM_001080125.2, NM_001400665.1); c.-465A>G (NM_001400671.1, NM_001400673.1, NM_001400676.1 and 4 more transcripts); c.-646A>G (NM_001400674.1); c.-544A>G (NM_001400680.1); c.-4-4962A>G (NM_001400669.1); c.-227-4962A>G (NM_001400672.1, NM_001400675.1); short protein forms K23R, K82R.
Identifiers: ClinVar variation 2146528 (VCV002146528.2), dbSNP rs779778498, ClinGen allele CA2053439.